The following is an entry in ClinVar:

ClinVar aggregate classification (germline): Uncertain significance. Review status: criteria provided, multiple submitters, no conflicts (2 of 4 stars). 5 submissions from 5 submitters: Uncertain significance (5). Last evaluated 2026-05-29.

Conditions:
Central core myopathy (CMYO1A). Also called: CONGENITAL MYOPATHY 1A, AUTOSOMAL DOMINANT, WITH SUSCEPTIBILITY TO MALIGNANT HYPERTHERMIA; Central core disease; Myopathy, central fibrillar. Identifiers: Orphanet 597, MedGen C5830701, MONDO:0007294, OMIM 117000.
Congenital multicore myopathy with external ophthalmoplegia (CMYO1B). Also called: MULTICORE MYOPATHY; Minicore myopathy with external ophthalmoplegia; Congenital myopathy 1B, autosomal recessive; Minicore myopathy; MULTIMINICORE DISEASE WITH EXTERNAL OPHTHALMOPLEGIA. Identifiers: Orphanet 598, Orphanet 98905, MedGen C1850674, MONDO:0009712, OMIM 255320, HP:0003789.
King Denborough syndrome (KDS). Identifiers: MedGen C1840365, MONDO:0020485, OMIM 619542.
Malignant hyperthermia, susceptibility to, 1 (MHS1). Also called: RYR1-Related Malignant Hyperthermia Susceptibility; Anesthesia related hyperthermia; Malignant hyperpyrexia; Fulminating hyperpyrexia; Pharmacogenic myopathy; Malignant hyperthermia suceptibility 1. Identifiers: Orphanet 423, MedGen C2930980, MONDO:0007783, OMIM 145600.
RYR1-related disorder. Also called: RYR1-related disorders; RYR1-related condition. Identifiers: MedGen CN239331.

Allele frequency attached by ClinVar (database versions not stated): gnomAD 0.00003; gnomAD exomes 0.00010; TOPMed 0.00010.
gnomAD v4.1: 161 of 1,500,440 alleles (0.011%); highest among the groups gnomAD compares: Non-Finnish European, 0.013%; no homozygotes.

Submissions (5):

Women's Health and Genetics/Laboratory Corporation of America, LabCorp
Classification: Uncertain significance. Last evaluated: 2026-05-29. Review status: criteria provided, single submitter. Criteria: LabCorp Variant Classification Summary - May 2015. Collection method: clinical testing. Allele origin: germline.
Comment: Variant summary: RYR1 c.13207G>A (p.Ala4403Thr) results in a non-conservative amino acid change in the encoded protein sequence. Algorithms developed to predict the effect of missense changes on protein structure and function are either unavailable or do not agree on the potential impact of this missense change. The variant allele was found at a frequency of 0.0001 in 98372 control chromosomes. This frequency is not significantly higher than estimated for disease-causing variants in RYR1, allowing no conclusion about variant significance. c.13207G>A has been observed in individual(s) affected with RYR1-related conditions (Invernizzi_2023). These report(s) do not provide unequivocal conclusions about association of the variant with disease. To our knowledge, no experimental evidence demonstrating an impact on protein function has been reported. The following publication have been ascertained in the context of this evaluation (PMID: 37510298). ClinVar contains an entry for this variant (Variation ID: 544420). Based on the evidence outlined above, the variant was classified as uncertain significance.

Fulgent Genetics
Classification: Uncertain significance for Central core myopathy; Malignant hyperthermia, susceptibility to, 1; Congenital multicore myopathy with external ophthalmoplegia; King Denborough syndrome. Last evaluated: 2024-01-05. Review status: criteria provided, single submitter. Criteria: ACMG Guidelines, 2015. Collection method: clinical testing. Allele origin: germline.

Revvity Omics, Revvity
Classification: Uncertain significance. Last evaluated: 2023-02-03. Review status: criteria provided, single submitter. Criteria: ACMG Guidelines, 2015. Collection method: clinical testing. Allele origin: germline.

Labcorp Genetics (formerly Invitae), Labcorp
Classification: Uncertain significance for RYR1-related disorder. Last evaluated: 2022-10-13. Review status: criteria provided, single submitter. Criteria: Invitae Variant Classification Sherloc (09022015). Collection method: clinical testing. Allele origin: germline.
Comment: This sequence change replaces alanine, which is neutral and non-polar, with threonine, which is neutral and polar, at codon 4403 of the RYR1 protein (p.Ala4403Thr). The frequency data for this variant in the population databases is considered unreliable, as metrics indicate poor data quality at this position in the gnomAD database. This variant has not been reported in the literature in individuals affected with RYR1-related conditions. ClinVar contains an entry for this variant (Variation ID: 544420). Advanced modeling of protein sequence and biophysical properties (such as structural, functional, and spatial information, amino acid conservation, physicochemical variation, residue mobility, and thermodynamic stability) performed at Invitae indicates that this missense variant is not expected to disrupt RYR1 protein function. In summary, the available evidence is currently insufficient to determine the role of this variant in disease. Therefore, it has been classified as a Variant of Uncertain Significance.

CeGaT Center for Human Genetics Tuebingen
Classification: Uncertain significance. Last evaluated: 2022-08-01. Review status: criteria provided, single submitter. Criteria: CeGaT Center For Human Genetics Tuebingen Variant Classification Criteria Version 2. Collection method: clinical testing. Allele origin: germline. Affected: yes. Observed: 2 variant alleles.

Literature cited by the submitters: PubMed 37510298 (cited by Women's Health and Genetics/Laboratory Corporation of America, LabCorp).

NM_000540.3(RYR1):c.13207G>A (p.Ala4403Thr)

Gene: RYR1 (ryanodine receptor 1; plus strand). Cytogenetic location: 19q13.2.
Variant type: single nucleotide variant.
Coding change: c.13207G>A on transcript NM_000540.3 (MANE Select); coding-DNA position 13207, G replaced by A.
Protein change: p.Ala4403Thr; replaces alanine 4403 with threonine.
Molecular consequence: missense variant.
Genome position (GRCh38, 1-based): chr19:38,565,541, G>A. VCF-style: chr19-38565541-G-A. GRCh37 (hg19) VCF-style: chr19-39056181-G-A.
Other names: c.13192G>A, p.Ala4398Thr (NM_001042723.2); short protein forms A4403T, A4398T.
Identifiers: ClinVar variation 544420 (VCV000544420.52), dbSNP rs1051206491, ClinGen allele CA308109525.